The following is an entry in ClinVar:

ClinVar aggregate classification (germline): Uncertain significance (1 of 4 stars; one submission).

Allele frequency attached by ClinVar (database versions not stated): gnomAD exomes below 0.00001; TOPMed below 0.00001.
gnomAD v4.1: 3 of 1,211,471 alleles (0.00025%); highest among the groups gnomAD compares: Middle Eastern, 0.023%; no homozygotes.

Submission:

GeneDx
Classification: Uncertain significance. Last evaluated: 2022-10-11. Review status: criteria provided, single submitter. Criteria: GeneDx Variant Classification Process June 2021. Collection method: clinical testing. Allele origin: germline. Affected: yes.
Comment: Not observed at significant frequency in large population cohorts (gnomAD); In silico analysis supports that this missense variant has a deleterious effect on protein structure/function; Has not been previously published as pathogenic or benign to our knowledge

NM_001123385.2(BCOR):c.650T>C (p.Met217Thr)

Genes: BCOR (BCL6 corepressor; minus strand), LOC126863239 (MED14-independent group 3 enhancer GRCh37_chrX:39932994-39934193; plus strand). Cytogenetic location: Xp11.4.
Variant type: single nucleotide variant.
Coding change: c.650T>C on transcript NM_001123385.2 (MANE Select); coding-DNA position 650, T replaced by C.
Protein change: p.Met217Thr; replaces methionine 217 with threonine.
Molecular consequence: missense variant.
Genome position (GRCh38, 1-based): chrX:40,074,696, A>G on the plus strand (T>C on the coding strand, the complement: BCOR is on the minus strand). VCF-style: chrX-40074696-A-G. GRCh37 (hg19) VCF-style: chrX-39933949-A-G.
Other names: c.650T>C, p.Met217Thr (NM_001123383.2, NM_001123384.2, NM_017745.6); short protein forms M217T.
Identifiers: ClinVar variation 2499335 (VCV002499335.1), dbSNP rs983329317, ClinGen allele CA327994011.
Genomic context (GRCh38, chrX:40,074,696, plus strand): 5'-ACTGGAGAATACAGCGGCTGGGCCAAGCTGTAGGACTGCTGAGGTAGCAAGGCCTTGTAC[A>G]TGTTCAGTGAATACTTATTTGGCGAGTCGAGGAAAGGGTAGATGGCTGGCGTGGCACCCT-3'
Protein context (NP_001116857.1, residues 207-227): LDSPNKYSLN[Met217Thr]YKALLPQQSY